The following is an entry in ClinVar:

NM_004333.6(BRAF):c.374C>T (p.Ser125Phe)

Gene: BRAF (B-Raf proto-oncogene, serine/threonine kinase; minus strand). Cytogenetic location: 7q34.
Variant type: single nucleotide variant.
Coding change: c.374C>T on transcript NM_004333.6 (MANE Select); coding-DNA position 374, C replaced by T.
Protein change: p.Ser125Phe; replaces serine 125 with phenylalanine.
Molecular consequence: missense variant. On other transcripts: intron variant (1).
Genome position (GRCh38, 1-based): chr7:140,834,739, G>A on the plus strand (C>T on the coding strand, the complement: BRAF is on the minus strand). VCF-style: chr7-140834739-G-A. GRCh37 (hg19) VCF-style: chr7-140534539-G-A.
Other names: c.374C>T, p.Ser125Phe (NM_001354609.2, NM_001374244.1, NM_001374258.1 and 5 more transcripts); c.272C>T, p.Ser91Phe (NM_001378470.1); c.218C>T, p.Ser73Phe (NM_001378472.1, NM_001378473.1); c.240+15372C>T (NM_001378475.1); short protein forms S125F, S73F, S91F.
Identifiers: ClinVar variation 1346308 (VCV001346308.6), dbSNP rs2129062120, ClinGen allele CA369593677.

ClinVar aggregate classification (germline): Uncertain significance (1 of 4 stars; one submission).

Conditions:
RASopathy. Also called: Noonan spectrum disorder; rasopathies. Identifiers: Orphanet 536391, MedGen C5555857, MONDO:0021060.

Submission:

Labcorp Genetics (formerly Invitae), Labcorp
Classification: Uncertain significance for RASopathy. Last evaluated: 2021-08-15. Review status: criteria provided, single submitter. Criteria: Invitae Variant Classification Sherloc (09022015). Collection method: clinical testing. Allele origin: germline.
Comment: In summary, the available evidence is currently insufficient to determine the role of this variant in disease. Therefore, it has been classified as a Variant of Uncertain Significance. Advanced modeling of protein sequence and biophysical properties (such as structural, functional, and spatial information, amino acid conservation, physicochemical variation, residue mobility, and thermodynamic stability) performed at Invitae indicates that this missense variant is not expected to disrupt BRAF protein function. This variant has not been reported in the literature in individuals affected with BRAF-related conditions. This variant is not present in population databases (ExAC no frequency). This sequence change replaces serine with phenylalanine at codon 125 of the BRAF protein (p.Ser125Phe). The serine residue is weakly conserved and there is a large physicochemical difference between serine and phenylalanine.